The following is an entry in ClinVar:

ClinVar aggregate classification (germline): Uncertain significance. Review status: criteria provided, multiple submitters, no conflicts (2 of 4 stars). 3 submissions from 3 submitters: Uncertain significance (3). Last evaluated 2026-09-01.

Conditions:
Inborn genetic diseases. Identifiers: MedGen C0950123, MeSH D030342.

Allele frequency attached by ClinVar (database versions not stated): ExAC 0.00001.
gnomAD v4.1: 5 of 1,614,066 alleles (0.00031%); highest among the groups gnomAD compares: African/African-American, 0.0013%; no homozygotes.

Submissions (3):

CeGaT Center for Human Genetics Tuebingen
Classification: Uncertain significance. Last evaluated: 2026-09-01. Review status: criteria provided, single submitter. Criteria: CeGaT Center For Human Genetics Tuebingen Variant Classification Criteria Version 2. Collection method: clinical testing. Allele origin: germline. Affected: yes. Observed: 1 variant allele.
Comment: MECOM: PM2

Labcorp Genetics (formerly Invitae), Labcorp
Classification: Uncertain significance. Last evaluated: 2025-09-03. Review status: criteria provided, single submitter. Criteria: Invitae Variant Classification Sherloc (09022015). Collection method: clinical testing. Allele origin: germline.
Comment: This sequence change replaces alanine, which is neutral and non-polar, with aspartic acid, which is acidic and polar, at codon 500 of the MECOM protein (p.Ala500Asp). This variant is not present in population databases (gnomAD no frequency). This variant has not been reported in the literature in individuals affected with MECOM-related conditions. ClinVar contains an entry for this variant (Variation ID: 2897881). An algorithm developed to predict the effect of missense changes on protein structure and function (PolyPhen-2) suggests that this variant is likely to be tolerated. In summary, the available evidence is currently insufficient to determine the role of this variant in disease. Therefore, it has been classified as a Variant of Uncertain Significance.

Ambry Genetics
Classification: Uncertain significance for Inborn genetic diseases. Last evaluated: 2025-03-26. Review status: criteria provided, single submitter. Criteria: Ambry Variant Classification Scheme 2023. Collection method: clinical testing. Allele origin: germline.

NM_004991.4(MECOM):c.2063C>A (p.Ala688Asp)

Gene: MECOM (MDS1 and EVI1 complex locus; minus strand). Cytogenetic location: 3q26.2.
Variant type: single nucleotide variant.
Coding change: c.2063C>A on transcript NM_004991.4 (MANE Select); coding-DNA position 2063, C replaced by A.
Protein change: p.Ala688Asp; replaces alanine 688 with aspartic acid.
Molecular consequence: missense variant. On other transcripts: intron variant (2).
Genome position (GRCh38, 1-based): chr3:169,115,809, G>T on the plus strand (C>A on the coding strand, the complement: MECOM is on the minus strand). VCF-style: chr3-169115809-G-T. GRCh37 (hg19) VCF-style: chr3-168833597-G-T.
Other names: c.2063C>A (NM_004991.3); c.1694C>A, p.Ala565Asp (NM_001105077.4); c.1499C>A, p.Ala500Asp (NM_001105078.4, NM_001164000.2, NM_001205194.2 and 4 more transcripts); c.1502C>A, p.Ala501Asp (NM_001163999.2, NM_001366467.2, NM_001366468.2 and 1 more transcripts); c.2063C>A, p.Ala688Asp (NM_001366466.2); c.1133-42C>A (NM_001366473.2); c.569-42C>A (NM_001366474.2); short protein forms A565D, A688D, A501D, A500D.
Identifiers: ClinVar variation 2897881 (VCV002897881.6), dbSNP rs762099223, ClinGen allele CA2696248.
Genomic context (GRCh38, chr3:169,115,809, plus strand): 5'-TACATTGATTGAGAGAATGCTGGAAAAAATGGGAGGGGAAACATGGAAGGGTAAGGTAAA[G>T]CTCCAACTTTTTTGTCTTGCAGCCCCACCAGTCCTGTTGAACCAAAGTATTTTTCAGCAA-3'
Protein context (NP_004982.2, residues 678-698): LVGLQDKKVG[Ala688Asp]LPYPSMFPLP